The following is an entry in ClinVar:

ClinVar aggregate classification (germline): Uncertain significance. Review status: criteria provided, multiple submitters, no conflicts (2 of 4 stars). 4 submissions from 4 submitters: Uncertain significance (4). Last evaluated 2026-01-24.

Conditions:
Pulmonary fibrosis and/or bone marrow failure, Telomere-related, 3. Also called: PULMONARY FIBROSIS AND/OR BONE MARROW FAILURE SYNDROME, TELOMERE-RELATED, 3. Identifiers: Orphanet 2032, MedGen C4225346, MONDO:0014613, OMIM 616373.
Dyskeratosis congenita, autosomal recessive 5 (DKCB5). Identifiers: MedGen C3554656, MONDO:0014076, OMIM 615190.
Inborn genetic diseases. Identifiers: MedGen C0950123, MeSH D030342.
Dyskeratosis congenita. Identifiers: Orphanet 1775, MedGen C0265965, MONDO:0015780.

Allele frequency attached by ClinVar (database versions not stated): ExAC 0.00002; gnomAD 0.00003 and 0.00004; gnomAD exomes 0.00003; TOPMed 0.00003; 1000 Genomes Project 30x 0.00016; 1000 Genomes Project 0.00020.
gnomAD v4.1: 113 of 1,611,868 alleles (0.007%); highest among the groups gnomAD compares: Non-Finnish European, 0.0088%; no homozygotes.

Submissions (4):

Labcorp Genetics (formerly Invitae), Labcorp
Classification: Uncertain significance for Dyskeratosis congenita, autosomal recessive 5; Pulmonary fibrosis and/or bone marrow failure, Telomere-related, 3. Last evaluated: 2026-01-24. Review status: criteria provided, single submitter. Criteria: Invitae Variant Classification Sherloc (09022015). Collection method: clinical testing. Allele origin: germline.
Comment: This sequence change replaces alanine, which is neutral and non-polar, with serine, which is neutral and polar, at codon 1163 of the RTEL1 protein (p.Ala1163Ser). This variant is present in population databases (rs550764571, gnomAD 0.005%). This variant has not been reported in the literature in individuals affected with RTEL1-related conditions. ClinVar contains an entry for this variant (Variation ID: 1385929). An algorithm developed to predict the effect of missense changes on protein structure and function (PolyPhen-2) suggests that this variant is likely to be tolerated. In summary, the available evidence is currently insufficient to determine the role of this variant in disease. Therefore, it has been classified as a Variant of Uncertain Significance.

Ambry Genetics
Classification: Uncertain significance for Inborn genetic diseases. Last evaluated: 2024-11-28. Review status: criteria provided, single submitter. Criteria: Ambry Variant Classification Scheme 2023. Collection method: clinical testing. Allele origin: germline.
Comment: The p.A1163S variant (also known as c.3487G>T), located in coding exon 32 of the RTEL1 gene, results from a G to T substitution at nucleotide position 3487. The alanine at codon 1163 is replaced by serine, an amino acid with similar properties. This amino acid position is conserved. In addition, this alteration is predicted to be tolerated by in silico analysis. Based on the available evidence, the clinical significance of this variant remains unclear.

Johns Hopkins Genomics, Johns Hopkins University
Classification: Uncertain significance for Pulmonary fibrosis and/or bone marrow failure, Telomere-related, 3. Last evaluated: 2022-04-04. Review status: criteria provided, single submitter. Criteria: ACMG Guidelines, 2015. Collection method: clinical testing. Allele origin: germline.
Comment: This RTEL1 missense variant (rs550764571) is rare (<0.1%) in a large population dataset (gnomAD: 7/245084 total alleles; 0.002856%; no homozygotes) and has not been reported in the literature, to our knowledge. It has been reported in ClinVar (Variation ID: 1385929). Three bioinformatic tools queried predict that this substitution would be tolerated and the alanine residue at this position is not highly evolutionarily conserved across the species assessed. We consider the clinical significance of RTEL1 c.3487G>T to be uncertain at this time.

Sema4
Classification: Uncertain significance for Dyskeratosis congenita. Last evaluated: 2021-10-15. Review status: criteria provided, single submitter. Criteria: Sema4 Curation Guidelines. Collection method: curation. Allele origin: germline.
Comment: The RTEL1 c.3487G>T (p.A1163S) variant has not been reported in the literature to our knowledge. It was observed in 7/108962 chromosomes of the Non-Finnish European subpopulation in the large and broad cohorts of the Genome Aggregation Database (PMID: 32461654). The variant has not been reported in ClinVar. Functional studies have not been performed, and in silico predictions of the variant's effect on protein function are inconclusive. The evidence is insufficient to meet ACMG/AMP criteria for classifying the variant as benign or pathogenic. Thus, the clinical significance of this variant is currently uncertain.

NM_001283009.2(RTEL1):c.3487G>T (p.Ala1163Ser)

Genes: RTEL1 (regulator of telomere elongation helicase 1; plus strand), RTEL1-TNFRSF6B (RTEL1-TNFRSF6B readthrough (NMD candidate); plus strand). Cytogenetic location: 20q13.33.
Variant type: single nucleotide variant.
Coding change: c.3487G>T on transcript NM_001283009.2 (MANE Select); coding-DNA position 3487, G replaced by T.
Protein change: p.Ala1163Ser; replaces alanine 1163 with serine.
Molecular consequence: missense variant. On other transcripts: non-coding transcript variant (1).
Genome position (GRCh38, 1-based): chr20:63,695,209, G>T. VCF-style: chr20-63695209-G-T. GRCh37 (hg19) VCF-style: chr20-62326562-G-T.
Other names: c.2818G>T, p.Ala940Ser (NM_001283010.1); c.3487G>T, p.Ala1163Ser (NM_016434.4); c.3559G>T, p.Ala1187Ser (NM_032957.5); short protein forms A1187S, A940S, A1163S.
Identifiers: ClinVar variation 1385929 (VCV001385929.9), dbSNP rs550764571, ClinGen allele CA9966048.